The following is an entry in ClinVar:

NM_006302.3(MOGS):c.937G>A (p.Gly313Arg)

Gene: MOGS (mannosyl-oligosaccharide glucosidase; minus strand). Cytogenetic location: 2p13.1.
Variant type: single nucleotide variant.
Coding change: c.937G>A on transcript NM_006302.3 (MANE Select); coding-DNA position 937, G replaced by A.
Protein change: p.Gly313Arg; replaces glycine 313 with arginine.
Molecular consequence: missense variant.
Genome position (GRCh38, 1-based): chr2:74,462,852, C>T on the plus strand (G>A on the coding strand, the complement: MOGS is on the minus strand). VCF-style: chr2-74462852-C-T. GRCh37 (hg19) VCF-style: chr2-74689979-C-T.
Other names: c.619G>A, p.Gly207Arg (NM_001146158.2); short protein forms G207R, G313R.
Identifiers: ClinVar variation 1496786 (VCV001496786.8), dbSNP rs2103980326, ClinGen allele CA347378484.

ClinVar aggregate classification (germline): Uncertain significance (1 of 4 stars; one submission).

Conditions:
MOGS-congenital disorder of glycosylation. Also called: MOGS-CDG; GLUCOSIDASE I DEFICIENCY; CDG IIb; CDG 2B. Identifiers: Orphanet 79330, MedGen C1853736, MONDO:0011629, OMIM 606056.

Submission:

Labcorp Genetics (formerly Invitae), Labcorp
Classification: Uncertain significance for MOGS-congenital disorder of glycosylation. Last evaluated: 2020-12-23. Review status: criteria provided, single submitter. Criteria: Invitae Variant Classification Sherloc (09022015). Collection method: clinical testing. Allele origin: germline.
Comment: In summary, the available evidence is currently insufficient to determine the role of this variant in disease. Therefore, it has been classified as a Variant of Uncertain Significance. Algorithms developed to predict the effect of missense changes on protein structure and function output the following: SIFT: "Deleterious"; PolyPhen-2: "Benign"; Align-GVGD: "Class C0". The arginine amino acid residue is found in multiple mammalian species, suggesting that this missense change does not adversely affect protein function. These predictions have not been confirmed by published functional studies and their clinical significance is uncertain. This variant has not been reported in the literature in individuals with MOGS-related conditions. This variant is not present in population databases (ExAC no frequency). This sequence change replaces glycine with arginine at codon 313 of the MOGS protein (p.Gly313Arg). The glycine residue is weakly conserved and there is a moderate physicochemical difference between glycine and arginine.